The following is an entry in ClinVar:

ClinVar aggregate classification (germline): Uncertain significance. Review status: criteria provided, single submitter (1 of 4 stars). 2 submissions from 2 submitters: Uncertain significance (1). 1 of the submissions does not count toward it. Last evaluated 2025-02-26.

Conditions:
FSHR-related disorder. Also called: FSHR-related disorders; FSHR-related condition.

Allele frequency attached by ClinVar (database versions not stated): gnomAD 0.00001; ExAC 0.00005; gnomAD exomes 0.00005; TOPMed 0.00007.
gnomAD v4.1: 28 of 1,613,950 alleles (0.0017%); highest among the groups gnomAD compares: Admixed American, 0.045%; 1 homozygote.

Submissions (2):

GeneDx
Classification: Uncertain significance. Last evaluated: 2025-02-26. Review status: criteria provided, single submitter. Criteria: GeneDx Variant Classification Process June 2021. Collection method: clinical testing. Allele origin: germline. Affected: yes.
Comment: In silico analysis indicates that this variant does not alter splicing; Has not been previously published as pathogenic or benign to our knowledge

PreventionGenetics, part of Exact Sciences
Classification: Likely benign for FSHR-related condition. Last evaluated: 2020-03-24. Review status: no assertion criteria provided. Collection method: clinical testing. Allele origin: germline. Not counted in ClinVar's aggregate classification.
Comment: This variant is classified as likely benign based on ACMG/AMP sequence variant interpretation guidelines (Richards et al. 2015 PMID: 25741868, with internal and published modifications).

NM_000145.4(FSHR):c.1752C>T (p.Cys584=)

Gene: FSHR (follicle stimulating hormone receptor; minus strand). Cytogenetic location: 2p16.3.
Variant type: single nucleotide variant.
Coding change: c.1752C>T on transcript NM_000145.4 (MANE Select); coding-DNA position 1752, C replaced by T.
Protein change: p.Cys584=; no amino-acid change (cysteine 584 retained).
Molecular consequence: synonymous variant.
Genome position (GRCh38, 1-based): chr2:48,963,069, G>A on the plus strand (C>T on the coding strand, the complement: FSHR is on the minus strand). VCF-style: chr2-48963069-G-A. GRCh37 (hg19) VCF-style: chr2-49190208-G-A.
Other names: c.1674C>T, p.Cys558= (NM_181446.3).
Identifiers: ClinVar variation 3047465 (VCV003047465.3), dbSNP rs768038206, ClinGen allele CA1653596.